The following is an entry in ClinVar:

ClinVar aggregate classification (germline): Uncertain significance (1 of 4 stars; one submission).

Conditions:
Spastic paraplegia. Identifiers: MedGen C0037772, HP:0001258.

Allele frequency attached by ClinVar (database versions not stated): gnomAD exomes below 0.00001.

Submission:

Labcorp Genetics (formerly Invitae), Labcorp
Classification: Uncertain significance for Spastic paraplegia. Last evaluated: 2022-02-10. Review status: criteria provided, single submitter. Criteria: Invitae Variant Classification Sherloc (09022015). Collection method: clinical testing. Allele origin: germline.
Comment: This variant, c.9808_9810del, results in the deletion of 1 amino acid(s) of the SACS protein (p.Ile3270del), but otherwise preserves the integrity of the reading frame. This variant is not present in population databases (gnomAD no frequency). This variant has not been reported in the literature in individuals affected with SACS-related conditions. Experimental studies and prediction algorithms are not available or were not evaluated, and the functional significance of this variant is currently unknown. In summary, the available evidence is currently insufficient to determine the role of this variant in disease. Therefore, it has been classified as a Variant of Uncertain Significance.

NM_014363.6(SACS):c.9808_9810del (p.Ile3270del)

Gene: SACS (sacsin molecular chaperone; minus strand). Cytogenetic location: 13q12.12.
Variant type: Deletion.
Coding change: c.9808_9810del on transcript NM_014363.6 (MANE Select); coding-DNA positions 9808 to 9810, 3 bases deleted (ATT; older notation c.9808_9810delATT).
Protein change: p.Ile3270del; deletes isoleucine 3270.
Molecular consequence: inframe deletion.
Genome position (GRCh38, 1-based): chr13:23,334,066-23,334,068, AAT deleted on the plus strand (ATT on the coding strand, the reverse complement: SACS is on the minus strand). VCF-style (leftmost placement, unchanged base first): chr13-23334065-CAAT-C. GRCh37 (hg19) VCF-style: chr13-23908204-CAAT-C.
Other names: c.9367_9369del, p.Ile3123del (NM_001278055.2); short protein forms I3123del, I3270del.
Identifiers: ClinVar variation 1985547 (VCV001985547.1), dbSNP rs2542194437, ClinGen allele CA2575369456.